The following is an entry in ClinVar:

ClinVar aggregate classification (germline): Uncertain significance (1 of 4 stars; one submission).

gnomAD v4.1: 3 of 1,614,142 alleles (0.00019%); highest among the groups gnomAD compares: Non-Finnish European, 0.00025%; no homozygotes.

Submission:

Labcorp Genetics (formerly Invitae), Labcorp
Classification: Uncertain significance. Last evaluated: 2021-12-30. Review status: criteria provided, single submitter. Criteria: Invitae Variant Classification Sherloc (09022015). Collection method: clinical testing. Allele origin: germline.
Comment: In summary, the available evidence is currently insufficient to determine the role of this variant in disease. Therefore, it has been classified as a Variant of Uncertain Significance. Algorithms developed to predict the effect of missense changes on protein structure and function are either unavailable or do not agree on the potential impact of this missense change (SIFT: "Deleterious"; PolyPhen-2: "Benign"; Align-GVGD: "Class C0"). This variant has not been reported in the literature in individuals affected with ACBD5-related conditions. This variant is present in population databases (rs779034551, gnomAD 0.0009%). This sequence change replaces arginine, which is basic and polar, with isoleucine, which is neutral and non-polar, at codon 24 of the ACBD5 protein (p.Arg24Ile).

NM_145698.5(ACBD5):c.71G>T (p.Arg24Ile)

Genes: ACBD5 (acyl-CoA binding domain containing 5; minus strand), LOC130003557 (ATAC-STARR-seq lymphoblastoid active region 3182; plus strand). Cytogenetic location: 10p12.1.
Variant type: single nucleotide variant.
Coding change: c.71G>T on transcript NM_145698.5 (MANE Select); coding-DNA position 71, G replaced by T.
Protein change: p.Arg24Ile; replaces arginine 24 with isoleucine.
Molecular consequence: missense variant. On other transcripts: 5 prime UTR variant (16).
Genome position (GRCh38, 1-based): chr10:27,240,429, C>A on the plus strand (G>T on the coding strand, the complement: ACBD5 is on the minus strand). VCF-style: chr10-27240429-C-A. GRCh37 (hg19) VCF-style: chr10-27529358-C-A.
Other names: c.-35G>T (NM_001042473.4, NM_001352574.2, NM_001352575.2 and 6 more transcripts); c.65G>T, p.Arg22Ile (NM_001271512.3, NM_001352571.1, NM_001352586.1 and 1 more transcripts); c.-136G>T (NM_001301251.2, NM_001301252.2, NM_001301253.2 and 4 more transcripts); c.92G>T, p.Arg31Ile (NM_001352568.1, NM_001352572.1); c.71G>T, p.Arg24Ile (NM_001352569.1, NM_001352570.1, NM_001352573.1 and 2 more transcripts); short protein forms R31I, R22I, R24I.
Identifiers: ClinVar variation 2066851 (VCV002066851.4), dbSNP rs779034551, ClinGen allele CA5451039.
Genomic context (GRCh38, chr10:27,240,429, plus strand): 5'-TCGTGCACGGATCTCGTGTCCGCCATCTCCAGCTGCCAGTGTTGGCCCCGGTCCCAAGGT[C>A]TGTCGGCGGGAATCAGGCAGCAGCAGCACCAGCTTTCCCAAGAGCCTGCATGAAACTGGA-3'
Protein context (NP_663736.2, residues 14-34): WCCCCLIPAD[Arg24Ile]PWDRGQHWQL